The following is an entry in ClinVar:

NM_000812.4(GABRB1):c.241-2A>C

Gene: GABRB1 (gamma-aminobutyric acid type A receptor subunit beta1; plus strand). Cytogenetic location: 4p12.
Variant type: single nucleotide variant.
Coding change: c.241-2A>C on transcript NM_000812.4 (MANE Select); the canonical splice acceptor site of the intron before coding-DNA position 241, A replaced by C.
Molecular consequence: splice acceptor variant.
Genome position (GRCh38, 1-based): chr4:47,161,247, A>C. VCF-style: chr4-47161247-A-C. GRCh37 (hg19) VCF-style: chr4-47163264-A-C.
Identifiers: ClinVar variation 2831643 (VCV002831643.3), dbSNP rs2475341839, ClinGen allele CA356805681.

ClinVar aggregate classification (germline): Uncertain significance (1 of 4 stars; one submission).

Submission:

Labcorp Genetics (formerly Invitae), Labcorp
Classification: Uncertain significance. Last evaluated: 2024-02-23. Review status: criteria provided, single submitter. Criteria: Invitae Variant Classification Sherloc (09022015). Collection method: clinical testing. Allele origin: germline.
Comment: This sequence change affects an acceptor splice site in intron 3 of the GABRB1 gene. It is expected to disrupt RNA splicing. Variants that disrupt the donor or acceptor splice site typically lead to a loss of protein function (PMID: 16199547), however the current clinical and genetic evidence is not sufficient to establish whether loss-of-function variants in GABRB1 cause disease. This variant is not present in population databases (gnomAD no frequency). This variant has not been reported in the literature in individuals affected with GABRB1-related conditions. Algorithms developed to predict the effect of sequence changes on RNA splicing suggest that this variant may disrupt the consensus splice site. In summary, the available evidence is currently insufficient to determine the role of this variant in disease. Therefore, it has been classified as a Variant of Uncertain Significance.

Literature cited by the submitters: PubMed 16199547.